The following is an entry in ClinVar:

ClinVar aggregate classification (germline): Uncertain significance. Review status: criteria provided, multiple submitters, no conflicts (2 of 4 stars). 2 submissions from 2 submitters: Uncertain significance (2). Last evaluated 2020-07-23.

Conditions:
Peroxisome biogenesis disorder 1A (Zellweger) (PBD1A). Also called: Peroxisome biogenesis disorder 1a; Zellweger leukodystrophy. Identifiers: MedGen C4721541, MONDO:0008953, OMIM 214100.

Allele frequency attached by ClinVar (database versions not stated): ExAC 0.00001; gnomAD exomes 0.00001 and 0.00002; TOPMed 0.00001.
gnomAD v4.1: 24 of 1,612,876 alleles (0.0015%); highest among the groups gnomAD compares: Non-Finnish European, 0.002%; no homozygotes.

Submissions (2):

GeneDx
Classification: Uncertain significance. Last evaluated: 2020-07-23. Review status: criteria provided, single submitter. Criteria: GeneDx Variant Classification Process June 2021. Collection method: clinical testing. Allele origin: germline. Affected: yes.
Comment: Not observed at a significant frequency in large population cohorts (Lek et al., 2016); In silico analysis supports that this missense variant does not alter protein structure/function; Has not been previously published as pathogenic or benign to our knowledge

Illumina Laboratory Services, Illumina
Classification: Uncertain significance for Peroxisome biogenesis disorder 1A (Zellweger). Last evaluated: 2018-01-13. Review status: criteria provided, single submitter. Criteria: ICSL Variant Classification Criteria 13 December 2019. Collection method: clinical testing. Allele origin: germline.

NM_000466.3(PEX1):c.2408C>T (p.Thr803Ile)

Gene: PEX1 (peroxisomal biogenesis factor 1; minus strand). Cytogenetic location: 7q21.2.
Variant type: single nucleotide variant.
Coding change: c.2408C>T on transcript NM_000466.3 (MANE Select); coding-DNA position 2408, C replaced by T.
Protein change: p.Thr803Ile; replaces threonine 803 with isoleucine.
Molecular consequence: missense variant.
Genome position (GRCh38, 1-based): chr7:92,501,898, G>A on the plus strand (C>T on the coding strand, the complement: PEX1 is on the minus strand). VCF-style: chr7-92501898-G-A. GRCh37 (hg19) VCF-style: chr7-92131212-G-A.
Other names: c.2237C>T, p.Thr746Ile (NM_001282677.2); c.1784C>T, p.Thr595Ile (NM_001282678.2); short protein forms T803I, T746I, T595I.
Identifiers: ClinVar variation 360923 (VCV000360923.6), dbSNP rs750911436, ClinGen allele CA4341137.